The following is an entry in ClinVar:

ClinVar aggregate classification (germline): Uncertain significance. Review status: criteria provided, multiple submitters, no conflicts (2 of 4 stars). 2 submissions from 2 submitters: Uncertain significance (2). Last evaluated 2025-01-20.

Conditions:
Hereditary cancer-predisposing syndrome. Also called: Hereditary neoplastic syndrome; Neoplastic Syndromes, Hereditary; Hereditary Cancer Syndrome; Tumor predisposition. Identifiers: Orphanet 140162, MedGen C0027672, MeSH D009386, MONDO:0015356.
EGFR-related lung cancer (EGFR). Identifiers: MedGen CN130014.

Allele frequency attached by ClinVar (database versions not stated): gnomAD exomes below 0.00001; gnomAD 0.00001.
gnomAD v4.1: 6 of 1,613,938 alleles (0.00037%); highest among the groups gnomAD compares: African/African-American, 0.0013%; no homozygotes.

Submissions (2):

Ambry Genetics
Classification: Uncertain significance for Hereditary cancer-predisposing syndrome. Last evaluated: 2025-01-20. Review status: criteria provided, single submitter. Criteria: Ambry Variant Classification Scheme 2023. Collection method: clinical testing. Allele origin: germline.
Comment: The p.Q976R variant (also known as c.2927A>G), located in coding exon 24 of the EGFR gene, results from an A to G substitution at nucleotide position 2927. The glutamine at codon 976 is replaced by arginine, an amino acid with highly similar properties. This amino acid position is conserved. In addition, this alteration is predicted to be tolerated by in silico analysis. Based on the available evidence, the clinical significance of this variant remains unclear.

Labcorp Genetics (formerly Invitae), Labcorp
Classification: Uncertain significance for EGFR-related lung cancer. Last evaluated: 2025-01-17. Review status: criteria provided, single submitter. Criteria: Invitae Variant Classification Sherloc (09022015). Collection method: clinical testing. Allele origin: germline.
Comment: This sequence change replaces glutamine, which is neutral and polar, with arginine, which is basic and polar, at codon 976 of the EGFR protein (p.Gln976Arg). This variant is not present in population databases (gnomAD no frequency). This variant has not been reported in the literature in individuals affected with EGFR-related conditions. ClinVar contains an entry for this variant (Variation ID: 966990). Invitae Evidence Modeling of protein sequence and biophysical properties (such as structural, functional, and spatial information, amino acid conservation, physicochemical variation, residue mobility, and thermodynamic stability) indicates that this missense variant is not expected to disrupt EGFR protein function with a negative predictive value of 80%. In summary, the available evidence is currently insufficient to determine the role of this variant in disease. Therefore, it has been classified as a Variant of Uncertain Significance.

NM_005228.5(EGFR):c.2927A>G (p.Gln976Arg)

Gene: EGFR (epidermal growth factor receptor; plus strand). Cytogenetic location: 7p11.2.
Variant type: single nucleotide variant.
Coding change: c.2927A>G on transcript NM_005228.5 (MANE Select); coding-DNA position 2927, A replaced by G.
Protein change: p.Gln976Arg; replaces glutamine 976 with arginine.
Molecular consequence: missense variant.
Genome position (GRCh38, 1-based): chr7:55,200,394, A>G. VCF-style: chr7-55200394-A-G. GRCh37 (hg19) VCF-style: chr7-55268087-A-G.
Other names: c.2792A>G, p.Gln931Arg (NM_001346897.2, NM_001346899.2); c.2927A>G, p.Gln976Arg (NM_001346898.2); c.2768A>G, p.Gln923Arg (NM_001346900.2); c.2126A>G, p.Gln709Arg (NM_001346941.2); short protein forms Q923R, Q709R, Q976R, Q931R.
Identifiers: ClinVar variation 966990 (VCV000966990.10), dbSNP rs773034947, ClinGen allele CA158937480.
Genomic context (GRCh38, chr7:55,200,394, plus strand): 5'-ATAGTCGCCCAAAGTTCCGTGAGTTGATCATCGAATTCTCCAAAATGGCCCGAGACCCCC[A>G]GCGCTACCTTGTCATTCAGGTACAAATTGCAGTCTGTGCTTCCATTGGGAAGAGTCCCTC-3'
Protein context (NP_005219.2, residues 966-986): IEFSKMARDP[Gln976Arg]RYLVIQGDER